The following is an entry in ClinVar:

ClinVar aggregate classification (germline): Uncertain significance (1 of 4 stars; one submission).

Conditions:
Autosomal dominant nocturnal frontal lobe epilepsy 5. Also called: CILIARY DYSKINESIA, PRIMARY, 28, WITH SITUS INVERSUS; KCNT1-Related Epilepsy; CILIARY DYSKINESIA, PRIMARY, 28, WITHOUT SITUS INVERSUS; Epilepsy, nocturnal frontal lobe, 5. Identifiers: Orphanet 98784, MedGen C3554306, MONDO:0014002, OMIM 615005.
Developmental and epileptic encephalopathy, 14 (DEE14). Also called: Early infantile epileptic encephalopathy 14. Identifiers: Orphanet 293181, MedGen C3554195, MONDO:0013989, OMIM 614959.

Submission:

Labcorp Genetics (formerly Invitae), Labcorp
Classification: Uncertain significance for Autosomal dominant nocturnal frontal lobe epilepsy 5; Developmental and epileptic encephalopathy, 14. Last evaluated: 2023-11-20. Review status: criteria provided, single submitter. Criteria: Invitae Variant Classification Sherloc (09022015). Collection method: clinical testing. Allele origin: germline.
Comment: This sequence change falls in intron 3 of the KCNT1 gene. It does not directly change the encoded amino acid sequence of the KCNT1 protein. This variant is not present in population databases (gnomAD no frequency). This variant has not been reported in the literature in individuals affected with KCNT1-related conditions. ClinVar contains an entry for this variant (Variation ID: 1372087). Algorithms developed to predict the effect of sequence changes on RNA splicing suggest that this variant may disrupt the consensus splice site. In summary, the available evidence is currently insufficient to determine the role of this variant in disease. Therefore, it has been classified as a Variant of Uncertain Significance.

NM_020822.3(KCNT1):c.335-5C>A

Gene: KCNT1 (potassium sodium-activated channel subfamily T member 1; plus strand). Cytogenetic location: 9q34.3.
Variant type: single nucleotide variant.
Coding change: c.335-5C>A on transcript NM_020822.3 (MANE Select); 5 bases into the intron before coding-DNA position 335, C replaced by A.
Molecular consequence: intron variant.
Genome position (GRCh38, 1-based): chr9:135,750,937, C>A. VCF-style: chr9-135750937-C-A. GRCh37 (hg19) VCF-style: chr9-138642783-C-A.
Other names: c.191-5C>A (NM_001272003.2).
Identifiers: ClinVar variation 1372087 (VCV001372087.6), dbSNP rs745658927, ClinGen allele CA2573144162.
Genomic context (GRCh38, chr9:135,750,937, plus strand): 5'-TGCAGGCCCTGCTCCCCGAAGCCCAGAGCTGGGTCAGAGCCCTGAGGCCGCTGCCCTCCC[C>A]GCAGGCCTGAGGATCCGGCTGTTCAACTTCTCCCTGAAGCTGCTCACCTGCCTGCTCTAC-3'